The following is an entry in ClinVar:

NM_001378452.1(ITPR1):c.5766T>C (p.Asp1922=)

Gene: ITPR1 (inositol 1,4,5-trisphosphate receptor type 1; plus strand). Cytogenetic location: 3p26.1.
Variant type: single nucleotide variant.
Coding change: c.5766T>C on transcript NM_001378452.1 (MANE Select); coding-DNA position 5766, T replaced by C.
Protein change: p.Asp1922=; no amino-acid change (aspartic acid 1922 retained).
Molecular consequence: synonymous variant.
Genome position (GRCh38, 1-based): chr3:4,768,551, T>C. VCF-style: chr3-4768551-T-C. GRCh37 (hg19) VCF-style: chr3-4810235-T-C.
Other names: p.Asp1859=; c.5622T>C, p.Asp1874= (NM_001099952.4); c.5721T>C, p.Asp1907= (NM_001168272.2); c.5577T>C, p.Asp1859= (NM_002222.7); c.5577T>C (NM_002222.6).
Identifiers: ClinVar variation 345752 (VCV000345752.42), dbSNP rs201311531, ClinGen allele CA2232420.

ClinVar aggregate classification (germline): Benign/Likely benign. Review status: criteria provided, multiple submitters, no conflicts (2 of 4 stars). 7 submissions from 7 submitters: Benign (1); Likely benign (6). Last evaluated 2026-06-01.

Conditions:
Autosomal dominant cerebellar ataxia. Also called: Spinocerebellar Ataxia, Dominant. Identifiers: Orphanet 99, MedGen C4087347, MONDO:0020380.

Allele frequency attached by ClinVar (database versions not stated): gnomAD exomes 0.00019 and 0.00031; gnomAD 0.00025 and 0.00027; ExAC 0.00027; TOPMed 0.00031.
gnomAD v4.1: 327 of 1,613,738 alleles (0.02%); highest among the groups gnomAD compares: Middle Eastern, 0.18%; no homozygotes.

Submissions (7):

CeGaT Center for Human Genetics Tuebingen
Classification: Likely benign. Last evaluated: 2026-06-01. Review status: criteria provided, single submitter. Criteria: CeGaT Center For Human Genetics Tuebingen Variant Classification Criteria Version 2. Collection method: clinical testing. Allele origin: germline. Affected: yes. Observed: 5 variant alleles.
Comment: ITPR1: BP4, BP7

Labcorp Genetics (formerly Invitae), Labcorp
Classification: Likely benign. Last evaluated: 2025-12-16. Review status: criteria provided, single submitter. Criteria: Invitae Variant Classification Sherloc (09022015). Collection method: clinical testing. Allele origin: germline.

Mayo Clinic Laboratories, Mayo Clinic
Classification: Likely benign. Last evaluated: 2025-08-13. Review status: criteria provided, single submitter. Criteria: ACMG Guidelines, 2015. Collection method: clinical testing. Allele origin: germline. Observed: 1 variant allele.
Comment: BP4, BP7

Athena Diagnostics
Classification: Benign. Last evaluated: 2020-10-19. Review status: criteria provided, single submitter. Criteria: Athena Diagnostics criteria. Collection method: clinical testing. Allele origin: unknown.

GeneDx
Classification: Likely benign. Last evaluated: 2020-06-08. Review status: criteria provided, single submitter. Criteria: GeneDx Variant Classification Process June 2021. Collection method: clinical testing. Allele origin: germline. Affected: yes.

Illumina Laboratory Services, Illumina
Classification: Likely benign for Spinocerebellar Ataxia, Dominant. Last evaluated: 2018-01-13. Review status: criteria provided, single submitter. Criteria: ICSL Variant Classification Criteria 13 December 2019. Collection method: clinical testing. Allele origin: germline.
Comment: This variant was observed in the ICSL laboratory as part of a predisposition screen in an ostensibly healthy population. It had not been previously curated by ICSL or reported in the Human Gene Mutation Database (HGMD: prior to June 1st, 2018), and was therefore a candidate for classification through an automated scoring system. Utilizing variant allele frequency, disease prevalence and penetrance estimates, and inheritance mode, an automated score was calculated to assess if this variant is too frequent to cause the disease. Based on the score and internal cut-off values, a variant classified as likely benign is not then subjected to further curation. The score for this variant resulted in a classification of likely benign for this disease.

Breakthrough Genomics
Classification: Likely benign. Review status: criteria provided, single submitter. Criteria: ACMG Guidelines, 2015. Collection method: not provided. Allele origin: germline. Inheritance: Autosomal dominant inheritance. Affected: yes.